The following is an entry in ClinVar:

ClinVar aggregate classification (germline): Uncertain significance. Review status: criteria provided, multiple submitters, no conflicts (2 of 4 stars). 2 submissions from 2 submitters: Uncertain significance (2). Last evaluated 2025-06-29.

Conditions:
Familial adenomatous polyposis 1 (FAP1). Also called: FAMILIAL ADENOMATOUS POLYPOSIS 1, ATTENUATED; POLYPOSIS, ADENOMATOUS INTESTINAL. Identifiers: MedGen C2713442, MONDO:0021056, OMIM 175100. Disease mechanism: loss of function.
Hereditary cancer-predisposing syndrome. Also called: Hereditary Cancer Syndrome; Hereditary neoplastic syndrome; Tumor predisposition; Neoplastic Syndromes, Hereditary. Identifiers: Orphanet 140162, MedGen C0027672, MeSH D009386, MONDO:0015356.

Submissions (2):

Ambry Genetics
Classification: Uncertain significance for Hereditary cancer-predisposing syndrome. Last evaluated: 2025-06-29. Review status: criteria provided, single submitter. Criteria: Ambry Variant Classification Scheme 2023. Collection method: clinical testing. Allele origin: germline.
Comment: The p.L2138V variant (also known as c.6412C>G), located in coding exon 15 of the APC gene, results from a C to G substitution at nucleotide position 6412. The leucine at codon 2138 is replaced by valine, an amino acid with highly similar properties. This amino acid position is conserved. In addition, in silico predictors for this gene do not accurately predict pathogenicity. Based on the available evidence, the clinical significance of this variant remains unclear.

Labcorp Genetics (formerly Invitae), Labcorp
Classification: Uncertain significance for Familial adenomatous polyposis 1. Last evaluated: 2021-10-24. Review status: criteria provided, single submitter. Criteria: Invitae Variant Classification Sherloc (09022015). Collection method: clinical testing. Allele origin: germline.
Comment: This variant has not been reported in the literature in individuals affected with APC-related conditions. This variant is not present in population databases (ExAC no frequency). This sequence change replaces leucine with valine at codon 2138 of the APC protein (p.Leu2138Val). The leucine residue is highly conserved and there is a small physicochemical difference between leucine and valine. Algorithms developed to predict the effect of missense changes on protein structure and function are either unavailable or do not agree on the potential impact of this missense change (SIFT: "Deleterious"; PolyPhen-2: "Probably Damaging"; Align-GVGD: "Class C0"). In summary, the available evidence is currently insufficient to determine the role of this variant in disease. Therefore, it has been classified as a Variant of Uncertain Significance.

NM_000038.6(APC):c.6412C>G (p.Leu2138Val)

Gene: APC (APC regulator of Wnt signaling pathway; plus strand). Cytogenetic location: 5q22.2.
Variant type: single nucleotide variant.
Coding change: c.6412C>G on transcript NM_000038.6 (MANE Select); coding-DNA position 6412, C replaced by G.
Protein change: p.Leu2138Val; replaces leucine 2138 with valine.
Molecular consequence: missense variant.
Genome position (GRCh38, 1-based): chr5:112,842,006, C>G. VCF-style: chr5-112842006-C-G. GRCh37 (hg19) VCF-style: chr5-112177703-C-G.
Other names: c.6412C>G (NM_000038.5); c.6412C>G, p.Leu2138Val (NM_001127510.3, NM_001354895.2); c.6358C>G, p.Leu2120Val (NM_001127511.3); c.6466C>G, p.Leu2156Val (NM_001354896.2); c.6442C>G, p.Leu2148Val (NM_001354897.2); c.6337C>G, p.Leu2113Val (NM_001354898.2); c.6328C>G, p.Leu2110Val (NM_001354899.2); c.6289C>G, p.Leu2097Val (NM_001354900.2); and 6 more; short protein forms L2037V, L2047V, L2148V, L1978V, L2110V, L2012V, L2079V, L2138V.
Identifiers: ClinVar variation 1400920 (VCV001400920.7), dbSNP rs2149964266, ClinGen allele CA16035368.